The following is an entry in ClinVar:

ClinVar aggregate classification (germline): Pathogenic/Likely pathogenic. Review status: criteria provided, multiple submitters, no conflicts (2 of 4 stars). 7 submissions from 7 submitters: Pathogenic (4); Likely pathogenic (1). 2 of the submissions do not count toward it. Last evaluated 2025-12-16.

Conditions:
TRMU-related disorder. Also called: TRMU-related condition.
Acute infantile liver failure due to synthesis defect of mtDNA-encoded proteins. Also called: TRMU Deficiency; LIVER FAILURE, INFANTILE, TRANSIENT; Liver failure acute infantile. Identifiers: Orphanet 217371, MedGen C3278664, MONDO:0013111, OMIM 613070.
Aminoglycoside-induced deafness. Also called: STREPTOMYCIN OTOTOXICITY; DEAFNESS, STREPTOMYCIN-INDUCED; MT-RNR1-Related Hearing Loss and Deafness. Identifiers: Orphanet 168609, MedGen C1838854, MONDO:0010799, OMIM 580000.

Allele frequency attached by ClinVar (database versions not stated): gnomAD exomes below 0.00001.
gnomAD v4.1: 1 of 1,613,886 alleles (0.000062%); no homozygotes.

Submissions (7):

Natera, Inc.
Classification: Likely pathogenic for Acute infantile liver failure due to synthesis defect of mtDNA-encoded proteins. Last evaluated: 2025-12-16. Review status: criteria provided, single submitter. Criteria: Natera Variant Classification Schema (03/2026). Collection method: clinical testing. Allele origin: germline.
Comment: The c.229T>C variant in TRMU is a missense variant predicted to cause substitution of tyrosine to histidine at amino acid 77. This variant is rare in the general population with a frequency below the threshold expected for the associated phenotype(s). This variant has been observed in one or more individuals affected with the associated recessive disease, as either homozygous or compound heterozygous with a second variant (PMID: 36305855, 19732863). Computational prediction algorithms indicate this variant is likely to affect gene or protein function. Given the available evidence, this variant is classified as Likely Pathogenic.

Fulgent Genetics
Classification: Pathogenic for Aminoglycoside-induced deafness; Acute infantile liver failure due to synthesis defect of mtDNA-encoded proteins. Last evaluated: 2024-04-03. Review status: criteria provided, single submitter. Criteria: ACMG Guidelines, 2015. Collection method: clinical testing. Allele origin: germline.

Baylor Genetics
Classification: Pathogenic for Aminoglycoside-induced deafness. Last evaluated: 2023-10-05. Review status: criteria provided, single submitter. Criteria: ACMG Guidelines, 2015. Collection method: clinical testing. Allele origin: unknown.

Labcorp Genetics (formerly Invitae), Labcorp
Classification: Pathogenic. Last evaluated: 2023-06-04. Review status: criteria provided, single submitter. Criteria: Invitae Variant Classification Sherloc (09022015). Collection method: clinical testing. Allele origin: germline.
Comment: For these reasons, this variant has been classified as Pathogenic. Advanced modeling of protein sequence and biophysical properties (such as structural, functional, and spatial information, amino acid conservation, physicochemical variation, residue mobility, and thermodynamic stability) performed at Invitae indicates that this missense variant is expected to disrupt TRMU protein function. ClinVar contains an entry for this variant (Variation ID: 1291). This missense change has been observed in individuals with acute infantile liver failure (PMID: 19732863). This variant is present in population databases (rs118203990, gnomAD 0.01%). This sequence change replaces tyrosine, which is neutral and polar, with histidine, which is basic and polar, at codon 77 of the TRMU protein (p.Tyr77His).

Blueprint Genetics
Classification: Pathogenic for TRMU-related disorders. Last evaluated: 2023-02-24. Review status: criteria provided, single submitter. Criteria: ACMG Guidelines, 2015. Collection method: clinical testing. Allele origin: germline. Affected: yes. Observed: 2 variant alleles.

PreventionGenetics, part of Exact Sciences
Classification: Pathogenic for TRMU-related condition. Last evaluated: 2024-02-16. Review status: no assertion criteria provided. Collection method: clinical testing. Allele origin: germline. Not counted in ClinVar's aggregate classification.
Comment: The TRMU c.229T>C variant is predicted to result in the amino acid substitution p.Tyr77His. This variant was reported as homozygous or compound heterozygous state in multiple individuals with infantile liver failure (Zeharia et al 2009. PubMed ID: 19732863; Vogel et al 2023. PubMed ID: 36305855). This variant is one of the most common disease causing variants in TRMU in association with reversible acute liver failure of infancy. This variant is reported in 0.0099% of alleles in individuals of Ashkenazi Jewish descent in gnomAD. This variant is interpreted as pathogenic.

OMIM
Classification: Pathogenic for LIVER FAILURE, INFANTILE, TRANSIENT. Last evaluated: 2009-09-01. Review status: no assertion criteria provided. Collection method: literature only. Allele origin: germline. Not counted in ClinVar's aggregate classification.

Literature cited by the submitters: PubMed 36305855 (cited by Natera, Inc.); PubMed 19732863 (cited by 3 submitters).

NM_018006.5(TRMU):c.229T>C (p.Tyr77His)

Gene: TRMU (tRNA mitochondrial 2-thiouridylase; plus strand). Cytogenetic location: 22q13.31.
Variant type: single nucleotide variant.
Coding change: c.229T>C on transcript NM_018006.5 (MANE Select); coding-DNA position 229, T replaced by C.
Protein change: p.Tyr77His; replaces tyrosine 77 with histidine.
Molecular consequence: missense variant. On other transcripts: 5 prime UTR variant (3), non-coding transcript variant (2).
Genome position (GRCh38, 1-based): chr22:46,337,925, T>C. VCF-style: chr22-46337925-T-C. GRCh37 (hg19) VCF-style: chr22-46733822-T-C.
Other names: c.-7T>C (NM_001282782.2); c.-26T>C (NM_001282783.2, NM_001282784.2); c.229T>C, p.Tyr77His (NM_001282785.2); c.229T>C (NM_018006.4); short protein forms Y77H.
Identifiers: ClinVar variation 1291 (VCV000001291.12), dbSNP rs118203990, ClinGen allele CA114912.